The following is an entry in ClinVar:

ClinVar aggregate classification (germline): Uncertain significance (1 of 4 stars; one submission).

Allele frequency attached by ClinVar (database versions not stated): gnomAD 0.00001.

Submission:

Ambry Genetics
Classification: Uncertain significance. Last evaluated: 2022-08-11. Review status: criteria provided, single submitter. Criteria: Ambry Variant Classification Scheme 2023. Collection method: clinical testing. Allele origin: germline.
Comment: The p.D1261G variant (also known as c.3782A>G), located in coding exon 17 of the NPAT gene, results from an A to G substitution at nucleotide position 3782. The aspartic acid at codon 1261 is replaced by glycine, an amino acid with similar properties. This amino acid position is conserved. In addition, this alteration is predicted to be tolerated by in silico analysis. Since supporting evidence is limited at this time, the clinical significance of this alteration remains unclear.

NM_002519.3(NPAT):c.3782A>G (p.Asp1261Gly)

Gene: NPAT (nuclear protein, coactivator of histone transcription; minus strand). Cytogenetic location: 11q22.3.
Variant type: single nucleotide variant.
Coding change: c.3782A>G on transcript NM_002519.3 (MANE Select); coding-DNA position 3782, A replaced by G.
Protein change: p.Asp1261Gly; replaces aspartic acid 1261 with glycine.
Molecular consequence: missense variant.
Genome position (GRCh38, 1-based): chr11:108,161,304, T>C on the plus strand (A>G on the coding strand, the complement: NPAT is on the minus strand). VCF-style: chr11-108161304-T-C. GRCh37 (hg19) VCF-style: chr11-108032031-T-C.
Other names: c.3803A>G, p.Asp1268Gly (NM_001321307.1); short protein forms D1268G, D1261G.
Identifiers: ClinVar variation 1734858 (VCV001734858.2), dbSNP rs1160728115, ClinGen allele CA382510055.
Genomic context (GRCh38, chr11:108,161,304, plus strand): 5'-TCTTTATGTTTTTCCCCTGCCCCTGAGCCAGGTGTCCGGGGCACAGGTAAATCACTACTA[T>C]CAGCAAGCCTACTTACTGAGCTGTGCCTCTGTATATCCTGTAACATTTCTGTGGTAATCA-3'
Protein context (NP_002510.2, residues 1251-1271): QRHSSVSRLA[Asp1261Gly]SSDLPVPRTP